The following is an entry in ClinVar:

ClinVar aggregate classification (germline): Uncertain significance (1 of 4 stars; one submission).

Conditions:
Charcot-Marie-Tooth disease axonal type 2O. Also called: Charcot-Marie-Tooth disease, axonal, type 20; CHARCOT-MARIE-TOOTH NEUROPATHY, AXONAL, TYPE 2O; CHARCOT-MARIE-TOOTH DISEASE, AXONAL, AUTOSOMAL DOMINANT, TYPE 2O; Charcot-Marie-Tooth Neuropathy Type 2O. Identifiers: Orphanet 284232, MedGen C3280220, MONDO:0013644, OMIM 614228.

Submission:

Labcorp Genetics (formerly Invitae), Labcorp
Classification: Uncertain significance for Charcot-Marie-Tooth disease axonal type 2O. Last evaluated: 2024-09-29. Review status: criteria provided, single submitter. Criteria: Invitae Variant Classification Sherloc (09022015). Collection method: clinical testing. Allele origin: germline.
Comment: This sequence change replaces leucine, which is neutral and non-polar, with valine, which is neutral and non-polar, at codon 2816 of the DYNC1H1 protein (p.Leu2816Val). This variant is not present in population databases (gnomAD no frequency). This variant has not been reported in the literature in individuals affected with DYNC1H1-related conditions. Invitae Evidence Modeling of protein sequence and biophysical properties (such as structural, functional, and spatial information, amino acid conservation, physicochemical variation, residue mobility, and thermodynamic stability) indicates that this missense variant is not expected to disrupt DYNC1H1 protein function with a negative predictive value of 95%. In summary, the available evidence is currently insufficient to determine the role of this variant in disease. Therefore, it has been classified as a Variant of Uncertain Significance.

NM_001376.5(DYNC1H1):c.8446C>G (p.Leu2816Val)

Gene: DYNC1H1 (dynein cytoplasmic 1 heavy chain 1; plus strand). Cytogenetic location: 14q32.31.
Variant type: single nucleotide variant.
Coding change: c.8446C>G on transcript NM_001376.5 (MANE Select); coding-DNA position 8446, C replaced by G.
Protein change: p.Leu2816Val; replaces leucine 2816 with valine.
Molecular consequence: missense variant.
Genome position (GRCh38, 1-based): chr14:102,019,995, C>G. VCF-style: chr14-102019995-C-G. GRCh37 (hg19) VCF-style: chr14-102486332-C-G.
Other names: short protein forms L2816V.
Identifiers: ClinVar variation 3636163 (VCV003636163.2).